The following is an entry in ClinVar:

NM_001182.5(ALDH7A1):c.322C>T (p.Pro108Ser)

Gene: ALDH7A1 (aldehyde dehydrogenase 7 family member A1; minus strand). Cytogenetic location: 5q23.2.
Variant type: single nucleotide variant.
Coding change: c.322C>T on transcript NM_001182.5 (MANE Select); coding-DNA position 322, C replaced by T.
Protein change: p.Pro108Ser; replaces proline 108 with serine.
Molecular consequence: missense variant.
Genome position (GRCh38, 1-based): chr5:126,584,003, G>A on the plus strand (C>T on the coding strand, the complement: ALDH7A1 is on the minus strand). VCF-style: chr5-126584003-G-A. GRCh37 (hg19) VCF-style: chr5-125919695-G-A.
Other names: c.238C>T, p.Pro80Ser (NM_001201377.2); c.322C>T, p.Pro108Ser (NM_001202404.2); short protein forms P80S, P108S.
Identifiers: ClinVar variation 862028 (VCV000862028.7), dbSNP rs1369193908, ClinGen allele CA360732122.

ClinVar aggregate classification (germline): Uncertain significance (1 of 4 stars; one submission).

Conditions:
Pyridoxine-dependent epilepsy (EPEO4). Also called: Pyridoxine-Dependent Epilepsy - ALDH7A1; EPILEPSY, EARLY-ONSET, 4, VITAMIN B6-DEPENDENT; PYRIDOXINE DEPENDENCY WITH SEIZURES; Pyridoxine-Dependent Seizures. Identifiers: Orphanet 3006, MedGen C1849508, MONDO:0009945, OMIM 266100. Disease mechanism: loss of function.

Allele frequency attached by ClinVar (database versions not stated): TOPMed below 0.00001; gnomAD 0.00001.
gnomAD v4.1: 1 of 1,613,876 alleles (0.000062%); highest among the groups gnomAD compares: Non-Finnish European, 0.000085%; no homozygotes.

Submission:

Labcorp Genetics (formerly Invitae), Labcorp
Classification: Uncertain significance for Pyridoxine-dependent epilepsy. Last evaluated: 2022-09-27. Review status: criteria provided, single submitter. Criteria: Invitae Variant Classification Sherloc (09022015). Collection method: clinical testing. Allele origin: germline.
Comment: This sequence change replaces proline, which is neutral and non-polar, with serine, which is neutral and polar, at codon 108 of the ALDH7A1 protein (p.Pro108Ser). This variant is not present in population databases (gnomAD no frequency). This variant has not been reported in the literature in individuals affected with ALDH7A1-related conditions. ClinVar contains an entry for this variant (Variation ID: 862028). Advanced modeling of protein sequence and biophysical properties (such as structural, functional, and spatial information, amino acid conservation, physicochemical variation, residue mobility, and thermodynamic stability) performed at Invitae indicates that this missense variant is expected to disrupt ALDH7A1 protein function. In summary, the available evidence is currently insufficient to determine the role of this variant in disease. Therefore, it has been classified as a Variant of Uncertain Significance.